The following is an entry in ClinVar:

ClinVar aggregate classification (germline): Uncertain significance (1 of 4 stars; one submission).

gnomAD v4.1: 15 of 1,613,766 alleles (0.00093%); highest among the groups gnomAD compares: Non-Finnish European, 0.0013%; no homozygotes.

Submission:

Labcorp Genetics (formerly Invitae), Labcorp
Classification: Uncertain significance. Last evaluated: 2025-04-10. Review status: criteria provided, single submitter. Criteria: Invitae Variant Classification Sherloc (09022015). Collection method: clinical testing. Allele origin: germline.
Comment: This sequence change replaces alanine, which is neutral and non-polar, with glycine, which is neutral and non-polar, at codon 550 of the TMPRSS15 protein (p.Ala550Gly). This variant is present in population databases (rs767357761, gnomAD 0.0009%). This variant has not been reported in the literature in individuals affected with TMPRSS15-related conditions. An algorithm developed to predict the effect of missense changes on protein structure and function (PolyPhen-2) suggests that this variant is likely to be disruptive. Algorithms developed to predict the effect of sequence changes on RNA splicing suggest that this variant may disrupt the consensus splice site. In summary, the available evidence is currently insufficient to determine the role of this variant in disease. Therefore, it has been classified as a Variant of Uncertain Significance.

NM_002772.3(TMPRSS15):c.1649C>G (p.Ala550Gly)

Gene: TMPRSS15 (transmembrane serine protease 15; minus strand). Cytogenetic location: 21q21.1.
Variant type: single nucleotide variant.
Coding change: c.1649C>G on transcript NM_002772.3 (MANE Select); coding-DNA position 1649, C replaced by G.
Protein change: p.Ala550Gly; replaces alanine 550 with glycine.
Molecular consequence: missense variant.
Genome position (GRCh38, 1-based): chr21:18,332,089, G>C on the plus strand (C>G on the coding strand, the complement: TMPRSS15 is on the minus strand). VCF-style: chr21-18332089-G-C. GRCh37 (hg19) VCF-style: chr21-19704406-G-C.
Other names: c.1784C>G, p.Ala595Gly (NM_001428056.1); c.1649C>G, p.Ala550Gly (NM_001428057.1); short protein forms A550G, A595G.
Identifiers: ClinVar variation 4771330 (VCV004771330.1).